The following is an entry in ClinVar:

ClinVar aggregate classification (germline): Pathogenic (1 of 4 stars; one submission).

Conditions:
Alstrom syndrome (ALMS). Identifiers: Orphanet 64, MedGen C0268425, MONDO:0008763, OMIM 203800.

Submission:

Labcorp Genetics (formerly Invitae), Labcorp
Classification: Pathogenic for Alstrom syndrome. Last evaluated: 2021-03-16. Review status: criteria provided, single submitter. Criteria: Invitae Variant Classification Sherloc (09022015). Collection method: clinical testing. Allele origin: germline.
Comment: For these reasons, this variant has been classified as Pathogenic. This variant has not been reported in the literature in individuals with ALMS1-related conditions. This variant is not present in population databases (ExAC no frequency). This sequence change creates a premature translational stop signal (p.Thr1338Argfs*14) in the ALMS1 gene. It is expected to result in an absent or disrupted protein product. Loss-of-function variants in ALMS1 are known to be pathogenic (PMID: 17594715).

Literature cited by the submitters: PubMed 17594715.

NM_001378454.1(ALMS1):c.4010_4011del (p.Thr1337fs)

Gene: ALMS1 (ALMS1 centrosome and basal body associated protein; plus strand). Cytogenetic location: 2p13.1.
Variant type: Microsatellite.
Coding change: c.4010_4011del on transcript NM_001378454.1 (MANE Select); coding-DNA positions 4010 to 4011, 2 bases deleted (CA; older notation c.4010_4011delCA).
Protein change: p.Thr1337fs; shifts the reading frame from threonine 1337.
Molecular consequence: frameshift variant.
Genome position (GRCh38, 1-based): chr2:73,450,537-73,450,538, CA deleted; deleting any 2 consecutive bases within chr2:73,450,531-73,450,538 gives the same sequence; the c. name uses the placement nearest the transcript's 3' end. VCF-style (leftmost placement, unchanged base first): chr2-73450530-TCA-T. GRCh37 (hg19) VCF-style: chr2-73677657-TCA-T.
Other names: c.4013_4014del, p.Thr1338fs (NM_015120.4); short protein forms T1337fs, T1338fs.
Identifiers: ClinVar variation 1383836 (VCV001383836.6), dbSNP rs2103780952, ClinGen allele CA2580611659.